The following is an entry in ClinVar:

ClinVar aggregate classification (germline): Uncertain significance (1 of 4 stars; one submission).

Allele frequency attached by ClinVar (database versions not stated): ExAC 0.00001; gnomAD 0.00001; gnomAD exomes 0.00001; TOPMed 0.00001 and 0.00002.
gnomAD v4.1: 9 of 1,613,792 alleles (0.00056%); highest among the groups gnomAD compares: African/African-American, 0.0013%; no homozygotes.

Submission:

GeneDx
Classification: Uncertain significance. Last evaluated: 2017-02-07. Review status: criteria provided, single submitter. Criteria: GeneDx Variant Classification (06012015). Collection method: clinical testing. Allele origin: germline. Affected: yes.
Comment: The T132A variant in the SLC20A2 gene has not been reported previously as a pathogenic variant, nor as a benign variant, to our knowledge. This variant is not observed at a significant frequency in large population cohorts (Lek et al., 2016; 1000 Genomes Consortium et al., 2015; Exome Variant Server). The T132A variant is a non-conservative amino acid substitution, which is likely to impact secondary protein structure as these residues differ in polarity, charge, size and/or other properties. This substitution occurs at a position that is conserved across species. In silico analysis is inconsistent in its predictions as to whether or not the variant is damaging to the protein structure/function. We interpret T132A as a variant of uncertain significance.

NM_001257180.2(SLC20A2):c.394A>G (p.Thr132Ala)

Gene: SLC20A2 (solute carrier family 20 member 2; minus strand). Cytogenetic location: 8p11.21.
Variant type: single nucleotide variant.
Coding change: c.394A>G on transcript NM_001257180.2 (MANE Select); coding-DNA position 394, A replaced by G.
Protein change: p.Thr132Ala; replaces threonine 132 with alanine.
Molecular consequence: missense variant.
Genome position (GRCh38, 1-based): chr8:42,465,813, T>C on the plus strand (A>G on the coding strand, the complement: SLC20A2 is on the minus strand). VCF-style: chr8-42465813-T-C. GRCh37 (hg19) VCF-style: chr8-42323331-T-C.
Other names: c.394A>G, p.Thr132Ala (NM_001257181.2, NM_006749.5); short protein forms T132A.
Identifiers: ClinVar variation 423173 (VCV000423173.2), dbSNP rs765338905, ClinGen allele CA4733592.